The following is an entry in ClinVar:

NM_001370466.1(NOD2):c.2807A>G (p.Glu936Gly)

Gene: NOD2 (nucleotide binding oligomerization domain containing 2; plus strand). Cytogenetic location: 16q12.1.
Variant type: single nucleotide variant.
Coding change: c.2807A>G on transcript NM_001370466.1 (MANE Select); coding-DNA position 2807, A replaced by G.
Protein change: p.Glu936Gly; replaces glutamic acid 936 with glycine.
Molecular consequence: missense variant. On other transcripts: non-coding transcript variant (1).
Genome position (GRCh38, 1-based): chr16:50,725,494, A>G. VCF-style: chr16-50725494-A-G. GRCh37 (hg19) VCF-style: chr16-50759405-A-G.
Other names: c.2807A>G, p.Glu936Gly (NM_001293557.2); c.2888A>G, p.Glu963Gly (NM_022162.3); short protein forms E963G, E936G.
Identifiers: ClinVar variation 531605 (VCV000531605.10), dbSNP rs1555501675, ClinGen allele CA395876314.

ClinVar aggregate classification (germline): Uncertain significance (1 of 4 stars; one submission).

Conditions:
Regional enteritis. Also called: Enteritis, Granulomatous. Identifiers: MedGen C0678202, MeSH D003424.
Blau syndrome (BLAUS). Also called: ARTHROCUTANEOUVEAL GRANULOMATOSIS; GRANULOMATOSIS, FAMILIAL JUVENILE SYSTEMIC; GRANULOMATOSIS, FAMILIAL, BLAU TYPE; GRANULOMATOUS INFLAMMATORY ARTHRITIS, DERMATITIS, AND UVEITIS, FAMILIAL; JABS SYNDROME. Identifiers: Orphanet 90340, MedGen C5201146, MONDO:0008523, OMIM 186580.

Allele frequency attached by ClinVar (database versions not stated): gnomAD exomes 0.00001.
gnomAD v4.1: 8 of 1,613,336 alleles (0.0005%); highest among the groups gnomAD compares: Non-Finnish European, 0.00068%; no homozygotes.

Submission:

Labcorp Genetics (formerly Invitae), Labcorp
Classification: Uncertain significance for Regional enteritis; Blau syndrome. Last evaluated: 2025-10-13. Review status: criteria provided, single submitter. Criteria: Invitae Variant Classification Sherloc (09022015). Collection method: clinical testing. Allele origin: germline.
Comment: This sequence change replaces glutamic acid, which is acidic and polar, with glycine, which is neutral and non-polar, at codon 963 of the NOD2 protein (p.Glu963Gly). This variant is not present in population databases (gnomAD no frequency). This missense change has been observed in individual(s) with clinical features of NOD2-related conditions (PMID: 28422189). ClinVar contains an entry for this variant (Variation ID: 531605). Invitae Evidence Modeling of protein sequence and biophysical properties (such as structural, functional, and spatial information, amino acid conservation, physicochemical variation, residue mobility, and thermodynamic stability) has been performed for this missense variant. However, the output from this modeling did not meet the statistical confidence thresholds required to predict the impact of this variant on NOD2 protein function. In summary, the available evidence is currently insufficient to determine the role of this variant in disease. Therefore, it has been classified as a Variant of Uncertain Significance.

Literature cited by the submitters: PubMed 28422189.